The following is an entry in ClinVar:

ClinVar aggregate classification (germline): Uncertain significance (1 of 4 stars; one submission).

Submission:

Labcorp Genetics (formerly Invitae), Labcorp
Classification: Uncertain significance. Last evaluated: 2023-12-11. Review status: criteria provided, single submitter. Criteria: Invitae Variant Classification Sherloc (09022015). Collection method: clinical testing. Allele origin: germline.
Comment: This sequence change creates a premature translational stop signal (p.Gln106*) in the FOXI3 gene. It is expected to result in an absent or disrupted protein product. However, the current clinical and genetic evidence is not sufficient to establish whether loss-of-function variants in FOXI3 cause disease. The frequency data for this variant in the population databases is considered unreliable, as metrics indicate insufficient coverage at this position in the gnomAD database. This variant has not been reported in the literature in individuals affected with FOXI3-related conditions. ClinVar contains an entry for this variant (Variation ID: 2102952). In summary, the available evidence is currently insufficient to determine the role of this variant in disease. Therefore, it has been classified as a Variant of Uncertain Significance.

NM_001135649.3(FOXI3):c.316C>T (p.Gln106Ter)

Gene: FOXI3 (forkhead box I3; minus strand). Cytogenetic location: 2p11.2.
Variant type: single nucleotide variant.
Coding change: c.316C>T on transcript NM_001135649.3 (MANE Select); coding-DNA position 316, C replaced by T.
Protein change: p.Gln106Ter; replaces glutamine 106 with a stop codon.
Molecular consequence: nonsense.
Genome position (GRCh38, 1-based): chr2:88,452,220, G>A on the plus strand (C>T on the coding strand, the complement: FOXI3 is on the minus strand). VCF-style: chr2-88452220-G-A. GRCh37 (hg19) VCF-style: chr2-88751739-G-A.
Other names: short protein forms Q106*.
Identifiers: ClinVar variation 2102952 (VCV002102952.4), dbSNP rs2528917150, ClinGen allele CA347766610.